The following is an entry in ClinVar:

ClinVar aggregate classification (germline): Pathogenic. Review status: criteria provided, multiple submitters, no conflicts (2 of 4 stars). 2 submissions from 2 submitters: Pathogenic (2). Last evaluated 2024-11-24.

Conditions:
Cardiac arrhythmia. Also called: Cardiac rhythm disease; Arrhythmia. Identifiers: MedGen C0003811, MONDO:0007263, HP:0011675.
Long QT syndrome (LQTS). Identifiers: MedGen C0023976, MeSH D008133, MONDO:0002442. Disease mechanism: loss of function. Inheritance: Various modes of inheritance.

Submissions (2):

Labcorp Genetics (formerly Invitae), Labcorp
Classification: Pathogenic for Long QT syndrome. Last evaluated: 2024-11-24. Review status: criteria provided, single submitter. Criteria: Invitae Variant Classification Sherloc (09022015). Collection method: clinical testing. Allele origin: germline.
Comment: This sequence change creates a premature translational stop signal (p.Pro926Argfs*48) in the KCNH2 gene. It is expected to result in an absent or disrupted protein product. Loss-of-function variants in KCNH2 are known to be pathogenic (PMID: 10973849, 19862833). This variant is not present in population databases (gnomAD no frequency). This variant has not been reported in the literature in individuals affected with KCNH2-related conditions. ClinVar contains an entry for this variant (Variation ID: 200674). For these reasons, this variant has been classified as Pathogenic.

GeneDx
Classification: Pathogenic for Cardiac arrhythmia. Last evaluated: 2012-09-27. Review status: criteria provided, single submitter. Criteria: GeneDx Variant Classification (06012015). Collection method: clinical testing. Allele origin: germline. Affected: yes.
Comment: c.2777delC:p.Pro926ArgfsX48 (P926RfsX48) in exon 12 of the KCNH2 gene (NM_000238.2). The normal sequence with the base that is deleted in braces is: GGGC{C}GTGG.Although the c.2777delC mutation in the KCNH2 gene has not been reported to our knowledge, this mutation causes a shift in reading frame starting at codon Proline 926, changing it to an Arginine, and creating a premature stop codon at position 48 of the new reading frame, denoted p.Pro926ArgfsX48. This mutation is expected to result in either an abnormal, truncated protein product or loss of protein from this allele through nonsense-mediated mRNA decay. Other frameshift mutations in the KCNH2 gene have been reported in association with LQTS. In summary, c.2777delC in the KCNH2 gene is interpreted as a disease-causing mutation. The variant is found in LQT panel(s).

Literature cited by the submitters: PubMed 10973849 (cited by Labcorp Genetics (formerly Invitae), Labcorp); PubMed 19862833 (cited by Labcorp Genetics (formerly Invitae), Labcorp).

NM_000238.4(KCNH2):c.2777del (p.Pro926fs)

Gene: KCNH2 (potassium voltage-gated channel subfamily H member 2; minus strand). Cytogenetic location: 7q36.1.
Variant type: Deletion.
Coding change: c.2777del on transcript NM_000238.4 (MANE Select); coding-DNA position 2777, one base deleted (C; older notation c.2777delC).
Protein change: p.Pro926fs; shifts the reading frame from proline 926.
Molecular consequence: frameshift variant.
Genome position (GRCh38, 1-based): chr7:150,947,794, G deleted on the plus strand (C on the coding strand, the reverse complement: KCNH2 is on the minus strand); the first of 2 consecutive G bases (chr7:150,947,794-150,947,795); deleting either gives the same sequence. VCF-style (leftmost placement, unchanged base first): chr7-150947793-CG-C. GRCh37 (hg19) VCF-style: chr7-150644881-CG-C.
Other names: c.1757del, p.Pro586fs (NM_172057.3); short protein forms P586fs, P926fs.
Identifiers: ClinVar variation 200674 (VCV000200674.11), dbSNP rs794728456, ClinGen allele CA007411.